The following is an entry in ClinVar:

ClinVar aggregate classification (germline): Uncertain significance (1 of 4 stars; one submission).

gnomAD v4.1: 2 of 1,614,130 alleles (0.00012%); highest among the groups gnomAD compares: Non-Finnish European, 0.00017%; no homozygotes.

Submission:

GeneDx
Classification: Uncertain significance. Last evaluated: 2024-08-07. Review status: criteria provided, single submitter. Criteria: GeneDx Variant Classification Process June 2021. Collection method: clinical testing. Allele origin: germline. Affected: yes.
Comment: Not observed at significant frequency in large population cohorts (gnomAD); In silico analysis indicates that this missense variant does not alter protein structure/function; Has not been previously published as pathogenic or benign to our knowledge; This variant is associated with the following publications: (PMID: 25512093, 25609763, 26100331)

NM_001376.5(DYNC1H1):c.12200C>G (p.Thr4067Ser)

Gene: DYNC1H1 (dynein cytoplasmic 1 heavy chain 1; plus strand). Cytogenetic location: 14q32.31.
Variant type: single nucleotide variant.
Coding change: c.12200C>G on transcript NM_001376.5 (MANE Select); coding-DNA position 12200, C replaced by G.
Protein change: p.Thr4067Ser; replaces threonine 4067 with serine.
Molecular consequence: missense variant.
Genome position (GRCh38, 1-based): chr14:102,042,110, C>G. VCF-style: chr14-102042110-C-G. GRCh37 (hg19) VCF-style: chr14-102508447-C-G.
Other names: short protein forms T4067S.
Identifiers: ClinVar variation 3602962 (VCV003602962.1).